The following is an entry in ClinVar:

ClinVar aggregate classification (germline): Pathogenic (1 of 4 stars; one submission).

Conditions:
Neurofibromatosis, type 1 (NF1). Also called: NEUROFIBROMATOSIS, TYPE I, SOMATIC; VON RECKLINGHAUSEN DISEASE; Neurofibromatosis, type I; Peripheral type neurofibromatosis. Identifiers: Orphanet 636, MedGen C0027831, MONDO:0018975, OMIM 162200. Disease mechanism: loss of function.

Submission:

Labcorp Genetics (formerly Invitae), Labcorp
Classification: Pathogenic for Neurofibromatosis, type 1. Last evaluated: 2018-11-08. Review status: criteria provided, single submitter. Criteria: Invitae Variant Classification Sherloc (09022015). Collection method: clinical testing. Allele origin: germline.
Comment: This sequence change inserts a large fragment of DNA, likely a transposable element, in exon 23 of the NF1 gene (c.3047_3048insSVA), causing a frameshift at codon 1016 (p.Cys1016fs). The exact size and sequence of the insertion cannot be determined by the current assay. However, the insertion is expected to result in an absent or disrupted protein product. This variant is not present in population databases (ExAC no frequency). This variant has not been reported in the literature in individuals with NF1-related disease. Retrotransposon insertions including LINE1 (L1), Alu, and SVA (SINE-VNTR-Alu) have been reported to be disease-causing through disruption of either a coding region or splice site (PMID: 19763152, 20307669, 22406018) and loss-of-function variants in NF1 are known to be pathogenic (PMID: 10712197, 23913538). For these reasons, this variant has been classified as Pathogenic.

Literature cited by the submitters: PubMed 10712197; PubMed 19763152; PubMed 22406018; PubMed 23913538; PubMed 20307669.

NM_000267.3(NF1):c.3047_3048insSVAelement

Gene: NF1 (neurofibromin 1; plus strand). Cytogenetic location: 17q11.2.
Variant type: Insertion.
Coding change: c.3047_3048insSVAelement on transcript NM_000267.3; coding-DNA positions 3047 to 3048, an insertion.
Other names: NM_000267.3:c.3047_3048insSVA.
Identifiers: ClinVar variation 646558 (VCV000646558.1), dbSNP rs2067091515.